The following is an entry in ClinVar:

ClinVar aggregate classification (germline): Likely benign (1 of 4 stars; one submission).

Conditions:
FHOD3-related disorder. Also called: FHOD3-related condition.

gnomAD v4.1: 45 of 1,603,104 alleles (0.0028%); highest among the groups gnomAD compares: African/African-American, 0.057%; no homozygotes.

Submission:

PreventionGenetics, part of Exact Sciences
Classification: Likely benign for FHOD3-related condition. Last evaluated: 2026-01-27. Review status: criteria provided, single submitter. Criteria: ACMG Guidelines, 2015. Collection method: clinical testing. Allele origin: germline.
Comment: This variant is classified as likely benign based on ACMG/AMP sequence variant interpretation guidelines (Richards et al. 2015 PMID: 25741868, with internal and published modifications).

NM_001281740.3(FHOD3):c.3759+10C>T

Gene: FHOD3 (formin homology 2 domain containing 3; plus strand). Cytogenetic location: 18q12.2.
Variant type: single nucleotide variant.
Coding change: c.3759+10C>T on transcript NM_001281740.3 (MANE Select); 10 bases into the intron after coding-DNA position 3759, C replaced by T.
Molecular consequence: intron variant.
Genome position (GRCh38, 1-based): chr18:36,740,848, C>T. VCF-style: chr18-36740848-C-T. GRCh37 (hg19) VCF-style: chr18-34320811-C-T.
Other names: c.3234+10C>T (NM_025135.5); c.3183+10C>T (NM_001281739.3).
Identifiers: ClinVar variation 4980419 (VCV004980419.1).